The following is an entry in ClinVar:

NM_207352.4(CYP4V2):c.-152A>G

Genes: CYP4V2 (cytochrome P450 family 4 subfamily V member 2; plus strand), LOC129993526 (ATAC-STARR-seq lymphoblastoid silent region 15858; plus strand). Cytogenetic location: 4q35.1.
Variant type: single nucleotide variant.
Coding change: c.-152A>G on transcript NM_207352.4 (MANE Select); 152 bases upstream of the start codon, A replaced by G.
Molecular consequence: 5 prime UTR variant.
Genome position (GRCh38, 1-based): chr4:186,191,672, A>G. VCF-style: chr4-186191672-A-G. GRCh37 (hg19) VCF-style: chr4-187112826-A-G.
Identifiers: ClinVar variation 348291 (VCV000348291.9), dbSNP rs2241819, ClinGen allele CA10620589.

ClinVar aggregate classification (germline): Benign. Review status: criteria provided, multiple submitters, no conflicts (2 of 4 stars). 4 submissions from 3 submitters: Benign (4). Last evaluated 2021-05-11.

Conditions:
Bietti crystalline corneoretinal dystrophy (BCD). Also called: Bietti Crystalline Dystrophy; BIETTI TAPETORETINAL DEGENERATION WITH MARGINAL CORNEAL DYSTROPHY. Identifiers: Orphanet 41751, MedGen C1859486, MONDO:0008865, OMIM 210370.
Corneal dystrophy. Identifiers: Orphanet 34533, MedGen C0010036, MONDO:0018102, HP:0001131.

Allele frequency attached by ClinVar (database versions not stated): gnomAD exomes 0.38105; 1000 Genomes Project 30x 0.42864; 1000 Genomes Project 0.43550; gnomAD 0.39682 and 0.39987; TOPMed 0.40343.

Submissions (4):

GeneDx
Classification: Benign. Last evaluated: 2021-05-11. Review status: criteria provided, single submitter. Criteria: GeneDx Variant Classification Process June 2021. Collection method: clinical testing. Allele origin: germline. Affected: yes.

Illumina Laboratory Services, Illumina
Classification: Benign for Bietti crystalline corneoretinal dystrophy. Last evaluated: 2018-01-13. Review status: criteria provided, single submitter. Criteria: ICSL Variant Classification Criteria 13 December 2019. Collection method: clinical testing. Allele origin: germline.
Comment: This variant was observed in the ICSL laboratory as part of a predisposition screen in an ostensibly healthy population. It had not been previously curated by ICSL or reported in the Human Gene Mutation Database (HGMD: prior to June 1st, 2018), and was therefore a candidate for classification through an automated scoring system. Utilizing variant allele frequency, disease prevalence and penetrance estimates, and inheritance mode, an automated score was calculated to assess if this variant is too frequent to cause the disease. Based on the score and internal cut-off values, a variant classified as benign is not then subjected to further curation. The score for this variant resulted in a classification of benign for this disease.

Illumina Laboratory Services, Illumina
Classification: Benign for Corneal dystrophy. Last evaluated: 2018-01-13. Review status: criteria provided, single submitter. Criteria: ICSL Variant Classification Criteria 13 December 2019. Collection method: clinical testing. Allele origin: germline.
Comment: the same text as in the submission from Illumina Laboratory Services, Illumina above.

Breakthrough Genomics
Classification: Benign. Review status: criteria provided, single submitter. Criteria: ACMG Guidelines, 2015. Collection method: not provided. Allele origin: germline. Inheritance: Autosomal recessive inheritance. Affected: yes.